The following is an entry in ClinVar:

ClinVar aggregate classification (germline): Uncertain significance (1 of 4 stars; one submission).

Submission:

GeneDx
Classification: Uncertain significance. Last evaluated: 2023-10-24. Review status: criteria provided, single submitter. Criteria: GeneDx Variant Classification Process June 2021. Collection method: clinical testing. Allele origin: germline. Affected: yes.
Comment: Not observed at significant frequency in large population cohorts (gnomAD); In silico analysis supports that this missense variant does not alter protein structure/function; Has not been previously published as pathogenic or benign to our knowledge

NM_002911.4(UPF1):c.1822A>C (p.Met608Leu)

Gene: UPF1 (UPF1 RNA helicase and ATPase; plus strand). Cytogenetic location: 19p13.11.
Variant type: single nucleotide variant.
Coding change: c.1822A>C on transcript NM_002911.4 (MANE Select); coding-DNA position 1822, A replaced by C.
Protein change: p.Met608Leu; replaces methionine 608 with leucine.
Molecular consequence: missense variant.
Genome position (GRCh38, 1-based): chr19:18,856,298, A>C. VCF-style: chr19-18856298-A-C. GRCh37 (hg19) VCF-style: chr19-18967107-A-C.
Other names: c.1855A>C, p.Met619Leu (NM_001297549.2); short protein forms M608L, M619L.
Identifiers: ClinVar variation 3363437 (VCV003363437.1).